The following is an entry in ClinVar:

NM_004727.3(SLC24A1):c.2729T>C (p.Ile910Thr)

Gene: SLC24A1 (solute carrier family 24 member 1; plus strand). Cytogenetic location: 15q22.31.
Variant type: single nucleotide variant.
Coding change: c.2729T>C on transcript NM_004727.3 (MANE Select); coding-DNA position 2729, T replaced by C.
Protein change: p.Ile910Thr; replaces isoleucine 910 with threonine.
Molecular consequence: missense variant.
Genome position (GRCh38, 1-based): chr15:65,650,878, T>C. VCF-style: chr15-65650878-T-C. GRCh37 (hg19) VCF-style: chr15-65943216-T-C.
Other names: c.710T>C, p.Ile237Thr (NM_001254740.2); c.2729T>C, p.Ile910Thr (NM_001301031.1); c.2675T>C, p.Ile892Thr (NM_001301032.1, NM_001301033.2); c.2387T>C, p.Ile796Thr (NM_001411142.1); short protein forms I892T, I910T, I237T, I796T.
Identifiers: ClinVar variation 2091133 (VCV002091133.4), dbSNP rs2548427181, ClinGen allele CA392900365.
Genomic context (GRCh38, chr15:65,650,878, plus strand): 5'-AGAAGGGAAATGAAGAGCCTCTGTCCCTGGACTGGCCTGAAACCAGGCAGAAGCAGGCCA[T>C]TTACCTCTTCCTTCTGCCCATCGTGTTCCCACTGTGGCTGACAGTCCCCGACGTCCGAAG-3'
Protein context (NP_004718.1, residues 900-920): DWPETRQKQA[Ile910Thr]YLFLLPIVFP

ClinVar aggregate classification (germline): Uncertain significance (1 of 4 stars; one submission).

gnomAD v4.1: 2 of 1,613,908 alleles (0.00012%); highest among the groups gnomAD compares: Non-Finnish European, 0.00017%; no homozygotes.

Submission:

Labcorp Genetics (formerly Invitae), Labcorp
Classification: Uncertain significance. Last evaluated: 2025-02-03. Review status: criteria provided, single submitter. Criteria: Invitae Variant Classification Sherloc (09022015). Collection method: clinical testing. Allele origin: germline.
Comment: This sequence change replaces isoleucine, which is neutral and non-polar, with threonine, which is neutral and polar, at codon 910 of the SLC24A1 protein (p.Ile910Thr). This variant is not present in population databases (gnomAD no frequency). This variant has not been reported in the literature in individuals affected with SLC24A1-related conditions. ClinVar contains an entry for this variant (Variation ID: 2091133). An algorithm developed to predict the effect of missense changes on protein structure and function (PolyPhen-2) suggests that this variant is likely to be tolerated. In summary, the available evidence is currently insufficient to determine the role of this variant in disease. Therefore, it has been classified as a Variant of Uncertain Significance.